The following is an entry in ClinVar:

ClinVar aggregate classification (germline): Pathogenic (1 of 4 stars; one submission).

Submission:

Labcorp Genetics (formerly Invitae), Labcorp
Classification: Pathogenic. Last evaluated: 2020-08-14. Review status: criteria provided, single submitter. Criteria: Invitae Variant Classification Sherloc (09022015). Collection method: clinical testing. Allele origin: germline.
Comment: This sequence change creates a premature translational stop signal (p.Glu524*) in the FAM161A gene. It is expected to result in an absent or disrupted protein product. This variant is not present in population databases (ExAC no frequency). This variant has not been reported in the literature in individuals with FAM161A-related conditions. Loss-of-function variants in FAM161A are known to be pathogenic (PMID: 20705278, 20705279, 24651477). For these reasons, this variant has been classified as Pathogenic.

Literature cited by the submitters: PubMed 20705278; PubMed 20705279; PubMed 24651477.

NM_001201543.2(FAM161A):c.1570G>T (p.Glu524Ter)

Gene: FAM161A (FAM161 centrosomal protein A; minus strand). Cytogenetic location: 2p15.
Variant type: single nucleotide variant.
Coding change: c.1570G>T on transcript NM_001201543.2 (MANE Select); coding-DNA position 1570, G replaced by T.
Protein change: p.Glu524Ter; replaces glutamic acid 524 with a stop codon.
Molecular consequence: nonsense. On other transcripts: non-coding transcript variant (1).
Genome position (GRCh38, 1-based): chr2:61,839,434, C>A on the plus strand (G>T on the coding strand, the complement: FAM161A is on the minus strand). VCF-style: chr2-61839434-C-A. GRCh37 (hg19) VCF-style: chr2-62066569-C-A.
Other names: c.1570G>T, p.Glu524Ter (NM_032180.3); short protein forms E524*.
Identifiers: ClinVar variation 1074057 (VCV001074057.7), dbSNP rs761940462, ClinGen allele CA346986255.